The following is an entry in ClinVar:

NM_033296.3(MRFAP1):c.27G>C (p.Leu9=)

Gene: MRFAP1 (Morf4 family associated protein 1; plus strand). Cytogenetic location: 4p16.1.
Variant type: single nucleotide variant.
Coding change: c.27G>C on transcript NM_033296.3 (MANE Select); coding-DNA position 27, G replaced by C.
Protein change: p.Leu9=; no amino-acid change (leucine 9 retained).
Molecular consequence: synonymous variant.
Genome position (GRCh38, 1-based): chr4:6,640,889, G>C. VCF-style: chr4-6640889-G-C. GRCh37 (hg19) VCF-style: chr4-6642616-G-C.
Other names: c.27G>C, p.Leu9= (NM_001272053.2).
Identifiers: ClinVar variation 2654630 (VCV002654630.24), dbSNP rs2548943105, ClinGen allele CA438369319.

ClinVar aggregate classification (germline): Likely benign (1 of 4 stars; one submission).

Submission:

CeGaT Center for Human Genetics Tuebingen
Classification: Likely benign. Last evaluated: 2023-02-01. Review status: criteria provided, single submitter. Criteria: CeGaT Center For Human Genetics Tuebingen Variant Classification Criteria Version 2. Collection method: clinical testing. Allele origin: germline. Affected: yes. Observed: 1 variant allele.
Comment: MRFAP1: PM2:Supporting, BP4, BP7